The following is an entry in ClinVar:

NM_015176.4(FBXO28):c.702C>T (p.Gly234=)

Gene: FBXO28 (F-box protein 28; plus strand). Cytogenetic location: 1q42.11.
Variant type: single nucleotide variant.
Coding change: c.702C>T on transcript NM_015176.4 (MANE Select); coding-DNA position 702, C replaced by T.
Protein change: p.Gly234=; no amino-acid change (glycine 234 retained).
Molecular consequence: synonymous variant. On other transcripts: non-coding transcript variant (1), intron variant (1).
Genome position (GRCh38, 1-based): chr1:224,153,327, C>T. VCF-style: chr1-224153327-C-T. GRCh37 (hg19) VCF-style: chr1-224341029-C-T.
Other names: c.517-4025C>T (NM_001136115.3).
Identifiers: ClinVar variation 4681763 (VCV004681763.5).
Genomic context (GRCh38, chr1:224,153,327, plus strand): 5'-GATTGTTCCAATTTTAAAGAGGAAATTACCAGGATCAGATGTTTCTGGAAGACTCATGGG[C>T]TCTCCTCCAGGTATCTCTACTTTATAATCATGCTTGTACATAATTTTGTAACTTGCTTCC-3'
Protein context (NP_055991.1, residues 224-244): PGSDVSGRLM[Gly234=]SPPVPGPSAA

ClinVar aggregate classification (germline): Likely benign (1 of 4 stars; one submission).

Submission:

CeGaT Center for Human Genetics Tuebingen
Classification: Likely benign. Last evaluated: 2025-12-01. Review status: criteria provided, single submitter. Criteria: CeGaT Center For Human Genetics Tuebingen Variant Classification Criteria Version 2. Collection method: clinical testing. Allele origin: germline. Affected: yes. Observed: 1 variant allele.
Comment: FBXO28: BP4